The following is an entry in ClinVar:

NM_001005242.3(PKP2):c.1557-8dup

Gene: PKP2 (plakophilin 2; minus strand). Cytogenetic location: 12p11.21.
Variant type: Duplication.
Coding change: c.1557-8dup on transcript NM_001005242.3 (MANE Select); 8 bases into the intron before coding-DNA position 1557, one base duplicated (T; older notation c.1557-8dupT).
Molecular consequence: intron variant.
Genome position (GRCh38, 1-based): chr12:32,824,170, A duplicated on the plus strand (T on the coding strand, the reverse complement: PKP2 is on the minus strand); the first of 6 consecutive A bases (chr12:32,824,170-32,824,175); duplicating any one gives the same sequence. VCF-style (leftmost placement, unchanged base first): chr12-32824169-G-GA. GRCh37 (hg19) VCF-style: chr12-32977103-G-GA.
Other names: c.1557-8dup (NM_001005242.2); c.1689-8dupT (NM_004572.3); c.1689-8dup (NM_004572.4).
Identifiers: ClinVar variation 45040 (VCV000045040.61), dbSNP rs200009796, ClinGen allele CA011329.

ClinVar aggregate classification (germline): Benign/Likely benign. Review status: criteria provided, multiple submitters, no conflicts (2 of 4 stars). 13 submissions from 13 submitters: Benign (9); Likely benign (1). 3 of the submissions do not count toward it. Last evaluated 2026-06-01.

Conditions:
PKP2-related disorder. Also called: PKP2-related condition.
Cardiomyopathy (CMYO). Also called: Cardiomyopathies. Identifiers: Orphanet 167848, MedGen C0878544, MONDO:0004994, HP:0001638. Inheritance: Various modes of inheritance.
Arrhythmogenic right ventricular dysplasia 9 (ARVD9). Also called: Arrhythmogenic Right Ventricular Dysplasia/Cardiomyopathy 9; ARRHYTHMOGENIC RIGHT VENTRICULAR DYSPLASIA, FAMILIAL, 9. Identifiers: MedGen C1836906, MONDO:0012180, OMIM 609040.

Submissions (13):

CeGaT Center for Human Genetics Tuebingen
Classification: Benign. Last evaluated: 2026-06-01. Review status: criteria provided, single submitter. Criteria: CeGaT Center For Human Genetics Tuebingen Variant Classification Criteria Version 2. Collection method: clinical testing. Allele origin: germline. Affected: yes. Observed: 43 variant alleles.
Comment: PKP2: BP4, BS1, BS2

Labcorp Genetics (formerly Invitae), Labcorp
Classification: Benign for Arrhythmogenic right ventricular dysplasia 9. Last evaluated: 2026-02-01. Review status: criteria provided, single submitter. Criteria: Invitae Variant Classification Sherloc (09022015). Collection method: clinical testing. Allele origin: germline.

Molecular Diagnostic Laboratory for Inherited Cardiovascular Disease, Montreal Heart Institute
Classification: Benign. Last evaluated: 2025-04-09. Review status: criteria provided, single submitter. Criteria: ACMG Guidelines, 2015. Collection method: clinical testing. Allele origin: germline. Affected: no.

Blueprint Genetics
Classification: Likely benign. Last evaluated: 2024-11-27. Review status: criteria provided, single submitter. Criteria: ACMG Guidelines, 2015. Collection method: clinical testing. Allele origin: germline.

Color Diagnostics, LLC DBA Color Health
Classification: Benign for Cardiomyopathy. Last evaluated: 2018-04-08. Review status: criteria provided, single submitter. Criteria: ACMG Guidelines, 2015. Collection method: clinical testing. Allele origin: germline.

Laboratory for Molecular Medicine, Mass General Brigham Personalized Medicine
Classification: Benign. Last evaluated: 2015-09-29. Review status: criteria provided, single submitter. Criteria: LMM Criteria. Collection method: clinical testing. Allele origin: germline. Observed: 21 variant alleles.
Comment: c.1689-8dupT in intron 7 of PKP2: This variant is not expected to have clinical significance because it has been identified in 1% (74/6604) of Finnish chromosom es by the Exome Aggregation Consortium (ExAC; d bSNP rs200009796).

Clinical Genetics DNA and cytogenetics Diagnostics Lab, Erasmus MC, Erasmus Medical Center
Classification: Benign for Arrhythmogenic right ventricular dysplasia 9. Last evaluated: 2015-09-21. Review status: criteria provided, single submitter. Criteria: ACGS Guidelines, 2013. Collection method: clinical testing. Allele origin: germline. Affected: yes. Study: VKGL Data-share Consensus.

GeneDx
Classification: Benign. Last evaluated: 2015-03-12. Review status: criteria provided, single submitter. Criteria: GeneDx Variant Classification Process June 2021. Collection method: clinical testing. Allele origin: germline. Affected: yes.

Eurofins Ntd Llc (ga)
Classification: Benign. Last evaluated: 2014-10-13. Review status: criteria provided, single submitter. Criteria: EGL Classification Definitions. Collection method: clinical testing. Allele origin: germline. Observed: 1 variant allele, 1 heterozygote.

Genome Diagnostics Laboratory, University Medical Center Utrecht
Classification: Benign for Arrhythmogenic right ventricular dysplasia 9. Last evaluated: 2014-10-09. Review status: criteria provided, single submitter. Criteria: ACGS Guidelines, 2013. Collection method: clinical testing. Allele origin: germline. Affected: yes. Study: VKGL Data-share Consensus.

PreventionGenetics, part of Exact Sciences
Classification: Benign for PKP2-related condition. Last evaluated: 2019-10-29. Review status: no assertion criteria provided. Collection method: clinical testing. Allele origin: germline. Not counted in ClinVar's aggregate classification.
Comment: This variant is classified as benign based on ACMG/AMP sequence variant interpretation guidelines (Richards et al. 2015 PMID: 25741868, with internal and published modifications).

Diagnostic Laboratory, Department of Genetics, University Medical Center Groningen
Classification: Likely benign. Review status: no assertion criteria provided. Collection method: clinical testing. Allele origin: germline. Affected: yes. Study: VKGL Data-share Consensus. Not counted in ClinVar's aggregate classification.

Joint Genome Diagnostic Labs from Nijmegen and Maastricht, Radboudumc and MUMC+
Classification: Benign. Review status: no assertion criteria provided. Collection method: clinical testing. Allele origin: germline. Affected: yes. Study: VKGL Data-share Consensus. Not counted in ClinVar's aggregate classification.